The following is an entry in ClinVar:

ClinVar aggregate classification (germline): Likely benign (0 of 4 stars; one submission).

Conditions:
PRRC2A-related disorder. Also called: PRRC2A-related condition.

Allele frequency attached by ClinVar (database versions not stated): 1000 Genomes Project 30x 0.00031; 1000 Genomes Project 0.00040; TOPMed 0.00042; ESP Exome Variant Server 0.00047; ExAC 0.00050; gnomAD 0.00066.
gnomAD v4.1: 1,347 of 1,612,878 alleles (0.084%); highest among the groups gnomAD compares: Non-Finnish European, 0.1%; 2 homozygotes.

Submission:

PreventionGenetics, part of Exact Sciences
Classification: Likely benign for PRRC2A-related condition. Last evaluated: 2019-04-01. Review status: no assertion criteria provided. Collection method: clinical testing. Allele origin: germline.
Comment: This variant is classified as likely benign based on ACMG/AMP sequence variant interpretation guidelines (Richards et al. 2015 PMID: 25741868, with internal and published modifications).

NM_004638.4(PRRC2A):c.4344G>A (p.Pro1448=)

Gene: PRRC2A (proline rich coiled-coil 2A; plus strand). Cytogenetic location: 6p21.33.
Variant type: single nucleotide variant.
Coding change: c.4344G>A on transcript NM_004638.4 (MANE Select); coding-DNA position 4344, G replaced by A.
Protein change: p.Pro1448=; no amino-acid change (proline 1448 retained).
Molecular consequence: synonymous variant.
Genome position (GRCh38, 1-based): chr6:31,633,403, G>A. VCF-style: chr6-31633403-G-A. GRCh37 (hg19) VCF-style: chr6-31601180-G-A.
Other names: c.4344G>A, p.Pro1448= (NM_080686.3).
Identifiers: ClinVar variation 3052409 (VCV003052409.2), dbSNP rs200399206, ClinGen allele CA3716193.